The following is an entry in ClinVar:

ClinVar aggregate classification (germline): Uncertain significance (1 of 4 stars; one submission).

Allele frequency attached by ClinVar (database versions not stated): gnomAD exomes below 0.00001 and 0.00003; ExAC 0.00001; gnomAD 0.00002; TOPMed 0.00002; ESP Exome Variant Server 0.00008.
gnomAD v4.1: 43 of 1,614,102 alleles (0.0027%); highest among the groups gnomAD compares: Non-Finnish European, 0.0036%; no homozygotes.

Submission:

Labcorp Genetics (formerly Invitae), Labcorp
Classification: Uncertain significance. Last evaluated: 2021-10-20. Review status: criteria provided, single submitter. Criteria: Invitae Variant Classification Sherloc (09022015). Collection method: clinical testing. Allele origin: germline.
Comment: This sequence change replaces serine, which is neutral and polar, with tyrosine, which is neutral and polar, at codon 1703 of the LRRK1 protein (p.Ser1703Tyr). This variant is present in population databases (rs372292557, gnomAD 0.0009%). This variant has not been reported in the literature in individuals affected with LRRK1-related conditions. Algorithms developed to predict the effect of missense changes on protein structure and function are either unavailable or do not agree on the potential impact of this missense change (SIFT: "Deleterious"; PolyPhen-2: "Probably Damaging"; Align-GVGD: "Class C15"). In summary, the available evidence is currently insufficient to determine the role of this variant in disease. Therefore, it has been classified as a Variant of Uncertain Significance.

NM_024652.6(LRRK1):c.5108C>A (p.Ser1703Tyr)

Genes: LRRK1 (leucine rich repeat kinase 1; plus strand), LRRK1-AS1 (LRRK1 antisense RNA 1; minus strand). Cytogenetic location: 15q26.3.
Variant type: single nucleotide variant.
Coding change: c.5108C>A on transcript NM_024652.6 (MANE Select); coding-DNA position 5108, C replaced by A.
Protein change: p.Ser1703Tyr; replaces serine 1703 with tyrosine.
Molecular consequence: missense variant.
Genome position (GRCh38, 1-based): chr15:101,065,545, C>A. VCF-style: chr15-101065545-C-A. GRCh37 (hg19) VCF-style: chr15-101605750-C-A.
Other names: short protein forms S1703Y.
Identifiers: ClinVar variation 1504179 (VCV001504179.3), dbSNP rs372292557, ClinGen allele CA7762074.
Genomic context (GRCh38, chr15:101,065,545, plus strand): 5'-ATGAAGACGCACGGCAGAACCCCTACCCAGTGAAGGCCATGGAGGTGGTCAACAGCGGCT[C>A]TGAGGTCTGGTACAGCAATGGGCCGGGCCTCCTTGTCATCGACTGTGCCTCCCTGGAGAT-3'
Protein context (NP_078928.3, residues 1693-1713): VKAMEVVNSG[Ser1703Tyr]EVWYSNGPGL